The following is an entry in ClinVar:

NM_005422.4(TECTA):c.6100G>A (p.Asp2034Asn)

Genes: TBCEL-TECTA (TBCEL-TECTA readthrough; plus strand), TECTA (tectorin alpha; plus strand). Cytogenetic location: 11q23.3.
Variant type: single nucleotide variant.
Coding change: c.6100G>A on transcript NM_005422.4 (MANE Select); coding-DNA position 6100, G replaced by A.
Protein change: p.Asp2034Asn; replaces aspartic acid 2034 with asparagine.
Molecular consequence: missense variant.
Genome position (GRCh38, 1-based): chr11:121,187,932, G>A. VCF-style: chr11-121187932-G-A. GRCh37 (hg19) VCF-style: chr11-121058641-G-A.
Other names: c.7042G>A, p.Asp2348Asn (NM_001378761.1); short protein forms D2034N, D2348N.
Identifiers: ClinVar variation 444275 (VCV000444275.55), dbSNP rs202092043, ClinGen allele CA6327883.
Genomic context (GRCh38, chr11:121,187,932, plus strand): 5'-AATGCAGTCTCCCTGACCTGTCGCTTTCACGTCACCGTCTTTAAATTCATAGGGGATTAC[G>A]ACGAAGTTCACCTTCACTGTGCAGTGTCACTCTGCGACTCAGAAAAGTACTCCTGTAAAA-3'
Protein context (NP_005413.2, residues 2024-2044): VTVFKFIGDY[Asp2034Asn]EVHLHCAVSL

ClinVar aggregate classification (germline): Uncertain significance. Review status: criteria provided, multiple submitters, no conflicts (2 of 4 stars). 6 submissions from 6 submitters: Uncertain significance (6). Last evaluated 2026-08-21.

Conditions:
Autosomal dominant nonsyndromic hearing loss 12. Also called: DEAFNESS, AUTOSOMAL DOMINANT 8. Identifiers: Orphanet 90635, MedGen C1832187, MONDO:0011102, OMIM 601543.
Autosomal recessive nonsyndromic hearing loss 21. Identifiers: Orphanet 90636, MedGen C1863655, MONDO:0011351, OMIM 603629.
TECTA-related disorder. Also called: TECTA-related condition.

Allele frequency attached by ClinVar (database versions not stated): ESP Exome Variant Server 0.00015; TOPMed 0.00019; gnomAD 0.00020 and 0.00021; gnomAD exomes 0.00020 and 0.00023; ExAC 0.00021.
gnomAD v4.1: 323 of 1,614,078 alleles (0.02%); highest among the groups gnomAD compares: Non-Finnish European, 0.025%; no homozygotes.

Submissions (6):

GeneDx
Classification: Uncertain significance. Last evaluated: 2026-08-21. Review status: criteria provided, single submitter. Criteria: GeneDx Variant Classification Process June 2021. Collection method: clinical testing. Allele origin: germline.
Comment: In silico analysis suggests that this missense variant does not alter protein structure/function; Has not been previously published as pathogenic or benign to our knowledge; This variant is associated with the following publications: (PMID: 21520338, 31554319, 9590290, 16718611)

PreventionGenetics, part of Exact Sciences
Classification: Uncertain significance for TECTA-related condition. Last evaluated: 2026-07-29. Review status: criteria provided, single submitter. Criteria: ACMG Guidelines, 2015. Collection method: clinical testing. Allele origin: germline.
Comment: The TECTA c.6100G>A variant is predicted to result in the amino acid substitution p.Asp2034Asn. To our knowledge, this variant has not been reported in the literature. This variant is reported in 0.040% of alleles in individuals of European (Non-Finnish) descent in gnomAD. At this time, the clinical significance of this variant is uncertain due to the absence of conclusive functional and genetic evidence.

Labcorp Genetics (formerly Invitae), Labcorp
Classification: Uncertain significance. Last evaluated: 2025-11-02. Review status: criteria provided, single submitter. Criteria: Invitae Variant Classification Sherloc (09022015). Collection method: clinical testing. Allele origin: germline.
Comment: This sequence change replaces aspartic acid, which is acidic and polar, with asparagine, which is neutral and polar, at codon 2034 of the TECTA protein (p.Asp2034Asn). This variant is present in population databases (rs202092043, gnomAD 0.04%). This variant has not been reported in the literature in individuals affected with TECTA-related conditions. ClinVar contains an entry for this variant (Variation ID: 444275). Invitae Evidence Modeling of protein sequence and biophysical properties (such as structural, functional, and spatial information, amino acid conservation, physicochemical variation, residue mobility, and thermodynamic stability) has been performed for this missense variant. However, the output from this modeling did not meet the statistical confidence thresholds required to predict the impact of this variant on TECTA protein function. In summary, the available evidence is currently insufficient to determine the role of this variant in disease. Therefore, it has been classified as a Variant of Uncertain Significance.

Blueprint Genetics
Classification: Uncertain significance. Last evaluated: 2024-11-25. Review status: criteria provided, single submitter. Criteria: ACMG Guidelines, 2015. Collection method: clinical testing. Allele origin: germline.

CeGaT Center for Human Genetics Tuebingen
Classification: Uncertain significance. Last evaluated: 2024-02-01. Review status: criteria provided, single submitter. Criteria: CeGaT Center For Human Genetics Tuebingen Variant Classification Criteria Version 2. Collection method: clinical testing. Allele origin: germline. Affected: yes. Observed: 5 variant alleles.
Comment: TECTA: PM2, PP3

Fulgent Genetics
Classification: Uncertain significance for Autosomal dominant nonsyndromic hearing loss 12; Autosomal recessive nonsyndromic hearing loss 21. Last evaluated: 2021-07-15. Review status: criteria provided, single submitter. Criteria: ACMG Guidelines, 2015. Collection method: clinical testing. Allele origin: unknown.